The following is an entry in ClinVar:

NM_006231.4(POLE):c.4672G>C (p.Glu1558Gln)

Gene: POLE (DNA polymerase epsilon, catalytic subunit; minus strand). Cytogenetic location: 12q24.33.
Variant type: single nucleotide variant.
Coding change: c.4672G>C on transcript NM_006231.4 (MANE Select); coding-DNA position 4672, G replaced by C.
Protein change: p.Glu1558Gln; replaces glutamic acid 1558 with glutamine.
Molecular consequence: missense variant.
Genome position (GRCh38, 1-based): chr12:132,642,876, C>G on the plus strand (G>C on the coding strand, the complement: POLE is on the minus strand). VCF-style: chr12-132642876-C-G. GRCh37 (hg19) VCF-style: chr12-133219462-C-G.
Other names: c.4672G>C (NM_006231.2); short protein forms E1558Q.
Identifiers: ClinVar variation 2753627 (VCV002753627.4), dbSNP rs2138540048, ClinGen allele CA387378882.

ClinVar aggregate classification (germline): Uncertain significance. Review status: criteria provided, multiple submitters, no conflicts (2 of 4 stars). 2 submissions from 2 submitters: Uncertain significance (2). Last evaluated 2026-03-12.

Conditions:
Hereditary cancer-predisposing syndrome. Also called: Tumor predisposition; Hereditary Cancer Syndrome; Hereditary neoplastic syndrome; Neoplastic Syndromes, Hereditary. Identifiers: Orphanet 140162, MedGen C0027672, MeSH D009386, MONDO:0015356.

Allele frequency attached by ClinVar (database versions not stated): gnomAD exomes below 0.00001.

Submissions (2):

Ambry Genetics
Classification: Uncertain significance for Hereditary cancer-predisposing syndrome. Last evaluated: 2026-03-12. Review status: criteria provided, single submitter. Criteria: Ambry Variant Classification Scheme 2023. Collection method: clinical testing. Allele origin: germline.
Comment: The p.E1558Q variant (also known as c.4672G>C), located in coding exon 36 of the POLE gene, results from a G to C substitution at nucleotide position 4672. The glutamic acid at codon 1558 is replaced by glutamine, an amino acid with highly similar properties. This amino acid position is conserved. In addition, the in silico prediction for this alteration is inconclusive. Based on the available evidence, the clinical significance of this variant remains unclear.

Labcorp Genetics (formerly Invitae), Labcorp
Classification: Uncertain significance. Last evaluated: 2025-12-14. Review status: criteria provided, single submitter. Criteria: Invitae Variant Classification Sherloc (09022015). Collection method: clinical testing. Allele origin: germline.
Comment: This sequence change replaces glutamic acid, which is acidic and polar, with glutamine, which is neutral and polar, at codon 1558 of the POLE protein (p.Glu1558Gln). This variant is not present in population databases (gnomAD no frequency). This variant has not been reported in the literature in individuals affected with POLE-related conditions. ClinVar contains an entry for this variant (Variation ID: 2753627). Invitae Evidence Modeling of protein sequence and biophysical properties (such as structural, functional, and spatial information, amino acid conservation, physicochemical variation, residue mobility, and thermodynamic stability) indicates that this missense variant is not expected to disrupt POLE protein function with a negative predictive value of 80%. In summary, the available evidence is currently insufficient to determine the role of this variant in disease. Therefore, it has been classified as a Variant of Uncertain Significance.